The following is an entry in ClinVar:

NM_015346.4(ZFYVE26):c.4863C>T (p.His1621=)

Gene: ZFYVE26 (zinc finger FYVE-type containing 26; minus strand). Cytogenetic location: 14q24.1.
Variant type: single nucleotide variant.
Coding change: c.4863C>T on transcript NM_015346.4 (MANE Select); coding-DNA position 4863, C replaced by T.
Protein change: p.His1621=; no amino-acid change (histidine 1621 retained).
Molecular consequence: synonymous variant.
Genome position (GRCh38, 1-based): chr14:67,777,670, G>A on the plus strand (C>T on the coding strand, the complement: ZFYVE26 is on the minus strand). VCF-style: chr14-67777670-G-A. GRCh37 (hg19) VCF-style: chr14-68244387-G-A.
Identifiers: ClinVar variation 458285 (VCV000458285.13), dbSNP rs765148518, ClinGen allele CA7239650.

ClinVar aggregate classification (germline): Likely benign. Review status: criteria provided, single submitter (1 of 4 stars). 2 submissions from 2 submitters: Likely benign (1). 1 of the submissions does not count toward it. Last evaluated 2024-09-05.

Conditions:
Spastic paraplegia. Identifiers: MedGen C0037772, HP:0001258.
ZFYVE26-related disorder. Also called: ZFYVE26-related condition.

Allele frequency attached by ClinVar (database versions not stated): gnomAD exomes below 0.00001; ExAC 0.00001; TOPMed 0.00002; gnomAD 0.00003.

Submissions (2):

Labcorp Genetics (formerly Invitae), Labcorp
Classification: Likely benign for Spastic paraplegia. Last evaluated: 2024-09-05. Review status: criteria provided, single submitter. Criteria: Invitae Variant Classification Sherloc (09022015). Collection method: clinical testing. Allele origin: germline.

PreventionGenetics, part of Exact Sciences
Classification: Likely benign for ZFYVE26-related condition. Last evaluated: 2019-07-29. Review status: no assertion criteria provided. Collection method: clinical testing. Allele origin: germline. Not counted in ClinVar's aggregate classification.
Comment: This variant is classified as likely benign based on ACMG/AMP sequence variant interpretation guidelines (Richards et al. 2015 PMID: 25741868, with internal and published modifications).